The following is an entry in ClinVar:

NM_001166108.2(PALLD):c.349G>T (p.Val117Phe)

Gene: PALLD (palladin, cytoskeletal associated protein; plus strand). Cytogenetic location: 4q32.3.
Variant type: single nucleotide variant.
Coding change: c.349G>T on transcript NM_001166108.2 (MANE Select); coding-DNA position 349, G replaced by T.
Protein change: p.Val117Phe; replaces valine 117 with phenylalanine.
Molecular consequence: missense variant.
Genome position (GRCh38, 1-based): chr4:168,511,853, G>T. VCF-style: chr4-168511853-G-T. GRCh37 (hg19) VCF-style: chr4-169433004-G-T.
Other names: c.349G>T, p.Val117Phe (NM_016081.4); short protein forms V117F.
Identifiers: ClinVar variation 2447340 (VCV002447340.3), dbSNP rs375246198, ClinGen allele CA3135343.

ClinVar aggregate classification (germline): Uncertain significance. Review status: criteria provided, multiple submitters, no conflicts (2 of 4 stars). 2 submissions from 2 submitters: Uncertain significance (2). Last evaluated 2024-03-05.

Conditions:
Pancreatic cancer, susceptibility to, 1. Identifiers: Orphanet 1333, MedGen C1847351, MONDO:0011739, OMIM 606856.

Allele frequency attached by ClinVar (database versions not stated): gnomAD exomes 0.00001; ExAC 0.00002; TOPMed 0.00012; gnomAD 0.00015.
gnomAD v4.1: 51 of 1,614,068 alleles (0.0032%); highest among the groups gnomAD compares: African/African-American, 0.052%; no homozygotes.

Submissions (2):

Fulgent Genetics
Classification: Uncertain significance for Pancreatic cancer, susceptibility to, 1. Last evaluated: 2024-03-05. Review status: criteria provided, single submitter. Criteria: ACMG Guidelines, 2015. Collection method: clinical testing. Allele origin: germline.

Ambry Genetics
Classification: Uncertain significance. Last evaluated: 2022-12-05. Review status: criteria provided, single submitter. Criteria: Ambry Variant Classification Scheme 2023. Collection method: clinical testing. Allele origin: germline.
Comment: The p.V117F variant (also known as c.349G>T), located in coding exon 1 of the PALLD gene, results from a G to T substitution at nucleotide position 349. The valine at codon 117 is replaced by phenylalanine, an amino acid with highly similar properties. This amino acid position is conserved. In addition, this alteration is predicted to be tolerated by in silico analysis. Since supporting evidence is limited at this time, the clinical significance of this alteration remains unclear.